The following is an entry in ClinVar:

NM_024417.5(FDXR):c.178-56G>A

Gene: FDXR (ferredoxin reductase; minus strand). Cytogenetic location: 17q25.1.
Variant type: single nucleotide variant.
Coding change: c.178-56G>A on transcript NM_024417.5 (MANE Select); 56 bases into the intron before coding-DNA position 178, G replaced by A.
Molecular consequence: intron variant. On other transcripts: missense variant (1).
Genome position (GRCh38, 1-based): chr17:74,866,932, C>T on the plus strand (G>A on the coding strand, the complement: FDXR is on the minus strand). VCF-style: chr17-74866932-C-T. GRCh37 (hg19) VCF-style: chr17-72863054-C-T.
Other names: c.251G>A, p.Gly84Glu (NM_001258012.4); c.178-56G>A (NM_001258014.4, NM_004110.6); c.178-53G>A (NM_001258015.3); c.271-56G>A (NM_001258013.4); c.22-56G>A (NM_001258016.3); short protein forms G84E.
Identifiers: ClinVar variation 3040178 (VCV003040178.3), dbSNP rs571352158, ClinGen allele CA8753323.
Genomic context (GRCh38, chr17:74,866,932, plus strand): 5'-GGGTGCTGCTGGGGAACAGGGTGGCAGCTGGTGGGGCCGAGAGAGAGAGGCTGGGACGCC[C>T]CCAGGTCCTCCCCTTCCCCAGACAGAGCAGGAGAGTTCAGGACCCTGGGCTGAGAACACA-3'

ClinVar aggregate classification (germline): Likely benign. Review status: criteria provided, single submitter (1 of 4 stars). 2 submissions from 2 submitters: Likely benign (1). 1 of the submissions does not count toward it. Last evaluated 2024-11-12.

Conditions:
FDXR-related disorder. Also called: FDXR-related condition; FDXR-related disorders.

Allele frequency attached by ClinVar (database versions not stated): gnomAD exomes 0.00006; ExAC 0.00053; gnomAD 0.00068; TOPMed 0.00075; 1000 Genomes Project 0.00120; 1000 Genomes Project 30x 0.00141.
gnomAD v4.1: 197 of 1,581,054 alleles (0.012%); highest among the groups gnomAD compares: African/African-American, 0.23%; no homozygotes.

Submissions (2):

Blueprint Genetics
Classification: Likely benign. Last evaluated: 2024-11-12. Review status: criteria provided, single submitter. Criteria: ACMG Guidelines, 2015. Collection method: clinical testing. Allele origin: germline.

PreventionGenetics, part of Exact Sciences
Classification: Likely benign for FDXR-related condition. Last evaluated: 2023-06-07. Review status: no assertion criteria provided. Collection method: clinical testing. Allele origin: germline. Not counted in ClinVar's aggregate classification.
Comment: This variant is classified as likely benign based on ACMG/AMP sequence variant interpretation guidelines (Richards et al. 2015 PMID: 25741868, with internal and published modifications).